The following is an entry in ClinVar:

ClinVar aggregate classification (germline): Likely benign (1 of 4 stars; one submission).

Conditions:
Cardiomyopathy (CMYO). Also called: Cardiomyopathies. Identifiers: Orphanet 167848, MedGen C0878544, MONDO:0004994, HP:0001638. Inheritance: Various modes of inheritance.

Allele frequency attached by ClinVar (database versions not stated): gnomAD exomes below 0.00001.
gnomAD v4.1: 4 of 1,614,174 alleles (0.00025%); highest among the groups gnomAD compares: Non-Finnish European, 0.00034%; no homozygotes.

Submission:

All of Us Research Program, National Institutes of Health
Classification: Likely benign for Cardiomyopathy. Last evaluated: 2023-10-06. Review status: criteria provided, single submitter. Criteria: ACMG Guidelines, 2015. Collection method: clinical testing. Allele origin: germline. Inheritance: Autosomal dominant inheritance. Observed: 1 variant allele, 1 heterozygote.
Comment: This study involves interpretation of variants in research participants for the purpose of population health screening. Participant phenotype was not available at the time of variant classification. Additional details can be found in publication PMID: 35346344, PMCID: PMC8962531

NM_000257.4(MYH7):c.2034A>G (p.Thr678=)

Gene: MYH7 (myosin heavy chain 7; minus strand). Cytogenetic location: 14q11.2.
Variant type: single nucleotide variant.
Coding change: c.2034A>G on transcript NM_000257.4 (MANE Select); coding-DNA position 2034, A replaced by G.
Protein change: p.Thr678=; no amino-acid change (threonine 678 retained).
Molecular consequence: synonymous variant.
Genome position (GRCh38, 1-based): chr14:23,426,787, T>C on the plus strand (A>G on the coding strand, the complement: MYH7 is on the minus strand). VCF-style: chr14-23426787-T-C. GRCh37 (hg19) VCF-style: chr14-23895996-T-C.
Other names: c.2034A>G, p.Thr678= (NM_001407004.1).
Identifiers: ClinVar variation 3073670 (VCV003073670.1), dbSNP rs2502292307, ClinGen allele CA485623500.